The following is an entry in ClinVar:

ClinVar aggregate classification (germline): Pathogenic. Review status: criteria provided, multiple submitters, no conflicts (2 of 4 stars). 5 submissions from 5 submitters: Pathogenic (3). 2 of the submissions do not count toward it. Last evaluated 2023-12-16.

Conditions:
Aniridia 1 (AN1). Identifiers: Orphanet 250923, MedGen C0344542, MONDO:0024507, OMIM 106210.
Irido-corneo-trabecular dysgenesis (ASGD5). Also called: ANTERIOR SEGMENT DYSGENESIS 5. Identifiers: Orphanet 708, MedGen C0344559, MONDO:0011414, OMIM 604229, HP:0000659.

Submissions (5):

Labcorp Genetics (formerly Invitae), Labcorp
Classification: Pathogenic for Aniridia 1; Irido-corneo-trabecular dysgenesis. Last evaluated: 2023-12-16. Review status: criteria provided, single submitter. Criteria: Invitae Variant Classification Sherloc (09022015). Collection method: clinical testing. Allele origin: germline.
Comment: This sequence change creates a premature translational stop signal (p.Trp265*) in the PAX6 gene. It is expected to result in an absent or disrupted protein product. Loss-of-function variants in PAX6 are known to be pathogenic (PMID: 12634864). This variant is not present in population databases (gnomAD no frequency). This premature translational stop signal has been observed in individual(s) with aniridia (PMID: 32360764). In at least one individual the variant was observed to be de novo. ClinVar contains an entry for this variant (Variation ID: 431004). For these reasons, this variant has been classified as Pathogenic.

Center of Genomic medicine, Geneva, University Hospital of Geneva
Classification: Pathogenic for Aniridia 1. Last evaluated: 2018-09-04. Review status: criteria provided, single submitter. Criteria: ACMG Guidelines, 2015. Collection method: clinical testing. Allele origin: de novo. Affected: yes.

GeneDx
Classification: Pathogenic. Last evaluated: 2018-04-04. Review status: criteria provided, single submitter. Criteria: GeneDx Variant Classification (06012015). Collection method: clinical testing. Allele origin: germline. Affected: yes.
Comment: The W265X nonsense variant in the PAX6 gene has been reported previously in association with aniridia (Vincent et al., 2003; Robinson et al., 2008; Bobilev et al., 2015). The variant is not observed in large population cohorts (Lek et al., 2016). This pathogenic variant is predicted to cause loss of normal protein function either through protein truncation or nonsense-mediated mRNA decay.

Wessex Regional Genetics Laboratory, Salisbury District Hospital
Classification: Pathogenic for Aniridia 1. Last evaluated: 2019-08-15. Review status: no assertion criteria provided. Criteria: ACMG Guidelines, 2015. Collection method: clinical testing. Allele origin: de novo. Inheritance: Autosomal dominant inheritance. Affected: yes. Not counted in ClinVar's aggregate classification.

Laboratory of Genetic Epidemiology, Research Centre for Medical Genetics
Classification: Pathogenic for Aniridia 1. Review status: no assertion criteria provided. Collection method: research. Allele origin: maternal. Inheritance: Autosomal dominant inheritance. Affected: yes. Observed: 1 heterozygote. Not counted in ClinVar's aggregate classification.

Literature cited by the submitters: PubMed 12634864 (cited by Labcorp Genetics (formerly Invitae), Labcorp); PubMed 32360764 (cited by Labcorp Genetics (formerly Invitae), Labcorp); PubMed 28321846 (cited by Laboratory of Genetic Epidemiology, Research Centre for Medical Genetics).

NM_001368894.2(PAX6):c.836G>A (p.Trp279Ter)

Gene: PAX6 (paired box 6; minus strand). Cytogenetic location: 11p13.
Variant type: single nucleotide variant.
Coding change: c.836G>A on transcript NM_001368894.2 (MANE Select); coding-DNA position 836, G replaced by A.
Protein change: p.Trp279Ter; replaces tryptophan 279 with a stop codon.
Molecular consequence: nonsense. On other transcripts: non-coding transcript variant (2).
Genome position (GRCh38, 1-based): chr11:31,793,774, C>T on the plus strand (G>A on the coding strand, the complement: PAX6 is on the minus strand). VCF-style: chr11-31793774-C-T. GRCh37 (hg19) VCF-style: chr11-31815322-C-T.
Other names: c.794G>A, p.Trp265Ter (NM_000280.6, NM_001127612.3, NM_001258464.2 and 10 more transcripts); c.836G>A, p.Trp279Ter (NM_001258462.3, NM_001258463.2, NM_001310158.2 and 6 more transcripts); c.386G>A, p.Trp129Ter (NM_001310160.2, NM_001310161.3, NM_001368899.2 and 11 more transcripts); c.1037G>A, p.Trp346Ter (NM_001368910.2); c.839G>A, p.Trp280Ter (NM_001368911.2); c.911G>A, p.Trp304Ter (NM_001368918.2, NM_001368919.2); c.869G>A, p.Trp290Ter (NM_001368920.2); c.635G>A, p.Trp212Ter (NM_001368921.2, NM_001368922.2, NM_001368923.2 and 4 more transcripts); and 2 more; short protein forms W265*, W129*, W346*, W198*, W212*, W304*, W64*, W279*.
Identifiers: ClinVar variation 431004 (VCV000431004.10), dbSNP rs1131692314, ClinGen allele CA379956524.
Genomic context (GRCh38, chr11:31,793,774, plus strand): 5'-ATATGACTAGGTGTGTTGCTGGCCTGTCTTCTCTGATTCCTCAGTTTTTCTTCTCTTCTC[C>T]ATTTGGCCCTTCGATTAGAAAACCATACCTGGAAATCAGGTGGGACAGGTTAGCACTGTG-3'